The following is an entry in ClinVar:

ClinVar aggregate classification (germline): Uncertain significance. Review status: criteria provided, multiple submitters, no conflicts (2 of 4 stars). 2 submissions from 2 submitters: Uncertain significance (2). Last evaluated 2023-10-01.

Conditions:
Retinal dystrophy. Also called: Inherited retinal dystrophy. Identifiers: Orphanet 71862, MedGen C0854723, MeSH D058499, MONDO:0019118, HP:0000556.

Allele frequency attached by ClinVar (database versions not stated): TOPMed 0.00001; ExAC 0.00002; gnomAD exomes 0.00002.
gnomAD v4.1: 12 of 1,613,020 alleles (0.00074%); highest among the groups gnomAD compares: East Asian, 0.027%; no homozygotes.

Submissions (2):

Dept Of Ophthalmology, Nagoya University
Classification: Uncertain significance for Retinal dystrophy. Last evaluated: 2023-10-01. Review status: criteria provided, single submitter. Criteria: Submitter's publication. Collection method: research. Allele origin: germline. Affected: yes.

Labcorp Genetics (formerly Invitae), Labcorp
Classification: Uncertain significance. Last evaluated: 2022-06-13. Review status: criteria provided, single submitter. Criteria: Invitae Variant Classification Sherloc (09022015). Collection method: clinical testing. Allele origin: germline.
Comment: In summary, the available evidence is currently insufficient to determine the role of this variant in disease. Therefore, it has been classified as a Variant of Uncertain Significance. Algorithms developed to predict the effect of missense changes on protein structure and function are either unavailable or do not agree on the potential impact of this missense change (SIFT: "Tolerated"; PolyPhen-2: "Probably Damaging"; Align-GVGD: "Class C0"). This variant has not been reported in the literature in individuals affected with EMC1-related conditions. This variant is present in population databases (rs767398238, gnomAD 0.03%). This sequence change replaces asparagine, which is neutral and polar, with serine, which is neutral and polar, at codon 803 of the EMC1 protein (p.Asn803Ser).

NM_015047.3(EMC1):c.2408A>G (p.Asn803Ser)

Genes: EMC1 (ER membrane protein complex subunit 1; minus strand), EMC1-AS1 (EMC1 antisense RNA 1; plus strand). Cytogenetic location: 1p36.13.
Variant type: single nucleotide variant.
Coding change: c.2408A>G on transcript NM_015047.3 (MANE Select); coding-DNA position 2408, A replaced by G.
Protein change: p.Asn803Ser; replaces asparagine 803 with serine.
Molecular consequence: missense variant.
Genome position (GRCh38, 1-based): chr1:19,222,803, T>C on the plus strand (A>G on the coding strand, the complement: EMC1 is on the minus strand). VCF-style: chr1-19222803-T-C. GRCh37 (hg19) VCF-style: chr1-19549297-T-C.
Other names: c.2405A>G, p.Asn802Ser (NM_001271427.2, NM_001271428.2); c.2342A>G, p.Asn781Ser (NM_001271429.2); c.2417A>G, p.Asn806Ser (NM_001375820.1); c.2414A>G, p.Asn805Ser (NM_001375821.1); short protein forms N805S, N803S, N806S, N781S, N802S.
Identifiers: ClinVar variation 1413896 (VCV001413896.9), dbSNP rs767398238, ClinGen allele CA652283.